The following is an entry in ClinVar:

ClinVar aggregate classification (germline): Conflicting classifications of pathogenicity. Review status: criteria provided, conflicting classifications (1 of 4 stars). 5 submissions from 5 submitters: Uncertain significance (1); Likely benign (4). Last evaluated 2024-10-31.

Conditions:
PCDH15-related disorder. Also called: PCDH15-related condition; PCDH15-related disorders.

Allele frequency attached by ClinVar (database versions not stated): TOPMed 0.00014; gnomAD 0.00013 and 0.00012; ExAC 0.00003; gnomAD exomes 0.00004; ESP Exome Variant Server 0.00015.
gnomAD v4.1: 35 of 1,613,864 alleles (0.0022%); highest among the groups gnomAD compares: African/African-American, 0.045%; no homozygotes.

Submissions (5):

PreventionGenetics, part of Exact Sciences
Classification: Likely benign for PCDH15-related condition. Last evaluated: 2024-10-31. Review status: criteria provided, single submitter. Criteria: ACMG Guidelines, 2015. Collection method: clinical testing. Allele origin: germline.
Comment: This variant is classified as likely benign based on ACMG/AMP sequence variant interpretation guidelines (Richards et al. 2015 PMID: 25741868, with internal and published modifications).

Labcorp Genetics (formerly Invitae), Labcorp
Classification: Likely benign. Last evaluated: 2024-10-29. Review status: criteria provided, single submitter. Criteria: Invitae Variant Classification Sherloc (09022015). Collection method: clinical testing. Allele origin: germline.

Blueprint Genetics
Classification: Likely benign. Last evaluated: 2023-11-13. Review status: criteria provided, single submitter. Criteria: ACMG Guidelines, 2015. Collection method: clinical testing. Allele origin: germline.

Eurofins Ntd Llc (ga)
Classification: Uncertain significance. Last evaluated: 2018-04-04. Review status: criteria provided, single submitter. Criteria: EGL ClinVar v180209 classification definitions. Collection method: clinical testing. Allele origin: germline. Observed: 1 variant allele, 1 heterozygote.

Laboratory for Molecular Medicine, Mass General Brigham Personalized Medicine
Classification: Likely benign. Last evaluated: 2017-07-06. Review status: criteria provided, single submitter. Criteria: LMM Criteria. Collection method: clinical testing. Allele origin: germline. Observed: 1 variant allele.
Comment: p.Lys1559Lys in exon 33 of PCDH15: This variant is not expected to have clinical significance because it does not alter an amino acid residue and is not located within the splice consensus sequence. It has been identified in 0.1% (15/23880) of African chromosomes by the Genome Aggregation Database (gnomAD; dbSNP rs375077719).

NM_033056.4(PCDH15):c.4677G>A (p.Lys1559=)

Gene: PCDH15 (protocadherin related 15; minus strand). Cytogenetic location: 10q21.1.
Variant type: single nucleotide variant.
Coding change: c.4677G>A on transcript NM_033056.4 (MANE Plus Clinical); coding-DNA position 4677, G replaced by A.
Protein change: p.Lys1559=; no amino-acid change (lysine 1559 retained).
Molecular consequence: synonymous variant. On other transcripts: intron variant (8).
Genome position (GRCh38, 1-based): chr10:53,823,049, C>T on the plus strand (G>A on the coding strand, the complement: PCDH15 is on the minus strand). VCF-style: chr10-53823049-C-T. GRCh37 (hg19) VCF-style: chr10-55582809-C-T.
Other names: c.4698G>A, p.Lys1566= (NM_001142763.2); c.4683G>A, p.Lys1561= (NM_001142764.2); c.4470G>A, p.Lys1490= (NM_001142765.2); c.4668G>A, p.Lys1556= (NM_001142766.2); c.4557G>A, p.Lys1519= (NM_001142767.2); c.4617G>A, p.Lys1539= (NM_001142768.2); c.4608G>A, p.Lys1536= (NM_001142773.2); c.4611G>A, p.Lys1537= (NM_001354404.2); and 6 more.
Identifiers: ClinVar variation 517422 (VCV000517422.20), dbSNP rs375077719, ClinGen allele CA5505222.